The following is an entry in ClinVar:

NM_001164508.2(NEB):c.18261+4C>T

Gene: NEB (nebulin; minus strand). Cytogenetic location: 2q23.3.
Variant type: single nucleotide variant.
Coding change: c.18261+4C>T on transcript NM_001164508.2 (MANE Select); 4 bases into the intron after coding-DNA position 18261, C replaced by T.
Molecular consequence: intron variant.
Genome position (GRCh38, 1-based): chr2:151,565,712, G>A on the plus strand (C>T on the coding strand, the complement: NEB is on the minus strand). VCF-style: chr2-151565712-G-A. GRCh37 (hg19) VCF-style: chr2-152422226-G-A.
Other names: c.13158+4C>T (NM_004543.5); c.18261+4C>T (NM_001164507.2, NM_001271208.2).
Identifiers: ClinVar variation 1938981 (VCV001938981.2), dbSNP rs757739475, ClinGen allele CA1908007.

ClinVar aggregate classification (germline): Uncertain significance (1 of 4 stars; one submission).

Conditions:
Nemaline myopathy 2 (NEM2). Also called: Nemaline myopathy 2, autosomal recessive. Identifiers: MedGen C1850569, MONDO:0009725, OMIM 256030.

Allele frequency attached by ClinVar (database versions not stated): ExAC 0.00001; gnomAD 0.00001; gnomAD exomes 0.00001; TOPMed 0.00001.
gnomAD v4.1: 14 of 1,609,438 alleles (0.00087%); highest among the groups gnomAD compares: East Asian, 0.0022%; no homozygotes.

Submission:

Labcorp Genetics (formerly Invitae), Labcorp
Classification: Uncertain significance for Nemaline myopathy 2. Last evaluated: 2022-08-09. Review status: criteria provided, single submitter. Criteria: Invitae Variant Classification Sherloc (09022015). Collection method: clinical testing. Allele origin: germline.
Comment: This sequence change falls in intron 115 of the NEB gene. It does not directly change the encoded amino acid sequence of the NEB protein. It affects a nucleotide within the consensus splice site. The frequency data for this variant in the population databases is considered unreliable, as metrics indicate poor data quality at this position in the gnomAD database. This variant has not been reported in the literature in individuals affected with NEB-related conditions. Variants that disrupt the consensus splice site are a relatively common cause of aberrant splicing (PMID: 17576681, 9536098). Experimental studies and prediction algorithms are not available or were not evaluated, and the effect of this variant on mRNA splicing is currently unknown. In summary, the available evidence is currently insufficient to determine the role of this variant in disease. Therefore, it has been classified as a Variant of Uncertain Significance.

Literature cited by the submitters: PubMed 17576681; PubMed 9536098.